The following is an entry in ClinVar:

NM_006031.6(PCNT):c.779C>T (p.Ala260Val)

Gene: PCNT (pericentrin; plus strand). Cytogenetic location: 21q22.3.
Variant type: single nucleotide variant.
Coding change: c.779C>T on transcript NM_006031.6 (MANE Select); coding-DNA position 779, C replaced by T.
Protein change: p.Ala260Val; replaces alanine 260 with valine.
Molecular consequence: missense variant.
Genome position (GRCh38, 1-based): chr21:46,346,801, C>T. VCF-style: chr21-46346801-C-T. GRCh37 (hg19) VCF-style: chr21-47766715-C-T.
Other names: c.425C>T, p.Ala142Val (NM_001315529.2); short protein forms A142V, A260V.
Identifiers: ClinVar variation 3355797 (VCV003355797.1).

ClinVar aggregate classification (germline): Uncertain significance (0 of 4 stars; one submission).

Conditions:
PCNT-related disorder. Also called: PCNT-related condition.

gnomAD v4.1: 58 of 1,600,576 alleles (0.0036%); highest among the groups gnomAD compares: Non-Finnish European, 0.0046%; no homozygotes.

Submission:

PreventionGenetics, part of Exact Sciences
Classification: Uncertain significance for PCNT-related condition. Last evaluated: 2024-04-13. Review status: no assertion criteria provided. Collection method: clinical testing. Allele origin: germline.
Comment: The PCNT c.779C>T variant is predicted to result in the amino acid substitution p.Ala260Val. To our knowledge, this variant has not been reported in the literature. This variant is reported in 0.012% of alleles in individuals of East Asian descent in gnomAD. At this time, the clinical significance of this variant is uncertain due to the absence of conclusive functional and genetic evidence.